The following is an entry in ClinVar:

ClinVar aggregate classification (germline): Conflicting classifications of pathogenicity. Review status: criteria provided, conflicting classifications (1 of 4 stars). 5 submissions from 5 submitters: Uncertain significance (1); Benign (4). Last evaluated 2026-08-01.

Conditions:
Hereditary spastic paraplegia 30. Identifiers: Orphanet 101010, MedGen C5235139, MONDO:0012476.
Neuropathy, hereditary sensory, type 2C. Also called: KIF1A-Related HSAN2 (HSAN2C); Hereditary sensory and autonomic neuropathy type IIC. Identifiers: Orphanet 970, MedGen C3280168, MONDO:0013634, OMIM 614213.
Intellectual disability, autosomal dominant 9 (NESCAVS). Also called: NESCAV SYNDROME; KIF1A-Related Neurodevelopmental Disorder. Identifiers: Orphanet 662367, MedGen C5393830, MONDO:0013656, OMIM 614255.
Spastic paraplegia. Identifiers: MedGen C0037772, HP:0001258.

Submissions (5):

CeGaT Center for Human Genetics Tuebingen
Classification: Benign. Last evaluated: 2026-08-01. Review status: criteria provided, single submitter. Criteria: CeGaT Center For Human Genetics Tuebingen Variant Classification Criteria Version 2. Collection method: clinical testing. Allele origin: germline. Affected: yes. Observed: 18 variant alleles.
Comment: KIF1A: BS1, BS2

Labcorp Genetics (formerly Invitae), Labcorp
Classification: Benign for Hereditary spastic paraplegia 30; Neuropathy, hereditary sensory, type 2C; Intellectual disability, autosomal dominant 9. Last evaluated: 2026-02-03. Review status: criteria provided, single submitter. Criteria: Invitae Variant Classification Sherloc (09022015). Collection method: clinical testing. Allele origin: germline.

ARUP Laboratories, Molecular Genetics and Genomics, ARUP Laboratories
Classification: Benign. Last evaluated: 2025-07-18. Review status: criteria provided, single submitter. Criteria: ARUP Molecular Germline Variant Investigation Process 2024. Collection method: clinical testing. Allele origin: germline.

GeneDx
Classification: Benign. Last evaluated: 2015-03-03. Review status: criteria provided, single submitter. Criteria: GeneDx Variant Classification Process June 2021. Collection method: clinical testing. Allele origin: germline. Affected: yes.

Paris Brain Institute, Inserm - ICM
Classification: Uncertain significance for Spastic paraplegia. Review status: criteria provided, single submitter. Criteria: ACMG Guidelines, 2015. Collection method: clinical testing. Allele origin: unknown. Affected: yes. Observed: 1 variant allele.

NM_001244008.2(KIF1A):c.865-24CT[2]

Gene: KIF1A (kinesin family member 1A; minus strand). Cytogenetic location: 2q37.3.
Variant type: Microsatellite.
Coding change: c.865-24CT[2] on transcript NM_001244008.2 (MANE Select); two copies in a row of the 2-base unit CT starting at c.865-24; the reference has four copies in a row; two copies, 4 bases deleted.
Molecular consequence: intron variant.
Genome position (GRCh38, 1-based): chr2:240,782,624-240,782,627, AGAG deleted on the plus strand (CTCT on the coding strand, the reverse complement: KIF1A is on the minus strand); deleting any 4 consecutive bases within chr2:240,782,624-240,782,631 gives the same sequence; the position shown is the placement nearest the transcript's 3' end. VCF-style (leftmost placement, unchanged base first): chr2-240782623-CAGAG-C. GRCh37 (hg19) VCF-style: chr2-241722040-CAGAG-C.
Other names: c.865-24CT[2] (NM_001379653.1, NM_001379650.1, NM_001379645.1 and 20 more transcripts).
Identifiers: ClinVar variation 811672 (VCV000811672.35), dbSNP rs140674901, ClinGen allele CA2208616.